The following is an entry in ClinVar:

NM_000038.6(APC):c.422+1672T>G

Gene: APC (APC regulator of WNT signaling pathway; plus strand). Cytogenetic location: 5q22.2.
Variant type: single nucleotide variant.
Coding change: c.422+1672T>G on transcript NM_000038.6 (MANE Select); 1672 bases into the intron after coding-DNA position 422, T replaced by G.
Molecular consequence: intron variant.
Genome position (GRCh38, 1-based): chr5:112,769,062, T>G. VCF-style: chr5-112769062-T-G. GRCh37 (hg19) VCF-style: chr5-112104759-T-G.
Other names: c.422+1672T>G (NM_001354895.2, NM_001127510.3, NM_001354896.2 and 2 more transcripts); c.452+1672T>G (NM_001354897.2, NM_001354902.2, NM_001127511.3); c.347+1672T>G (NM_001354898.2, NM_001354904.2); c.-614+1672T>G (NM_001354906.2); c.245+1672T>G (NM_001354900.2, NM_001354901.2, NM_001354905.2).
Identifiers: ClinVar variation 82411 (VCV000082411.2), dbSNP rs77262082, ClinGen allele CA009031.

ClinVar aggregate classification (germline): other (0 of 4 stars; one submission).

Conditions:
Familial colorectal cancer. Identifiers: MedGen CN280943, MONDO:0023113. Disease mechanism: loss of function.

Allele frequency attached by ClinVar (database versions not stated): TOPMed 0.00001.

Submission:

Systems Biology Platform Zhejiang California International NanoSystems Institute
Classification: other for Familial colorectal cancer. Review status: no assertion criteria provided. Collection method: not provided. Allele origin: unknown.
ClinVar note: Converted during submission from cancer to other.